The following is an entry in ClinVar:

ClinVar aggregate classification (germline): Uncertain significance (1 of 4 stars; one submission).

Conditions:
Alstrom syndrome (ALMS). Identifiers: Orphanet 64, MedGen C0268425, MONDO:0008763, OMIM 203800.

gnomAD v4.1: 4 of 1,613,474 alleles (0.00025%); highest among the groups gnomAD compares: Admixed American, 0.0067%; no homozygotes.

Submission:

Labcorp Genetics (formerly Invitae), Labcorp
Classification: Uncertain significance for Alstrom syndrome. Last evaluated: 2022-07-08. Review status: criteria provided, single submitter. Criteria: Invitae Variant Classification Sherloc (09022015). Collection method: clinical testing. Allele origin: germline.
Comment: This sequence change replaces histidine, which is basic and polar, with aspartic acid, which is acidic and polar, at codon 3882 of the ALMS1 protein (p.His3882Asp). This variant is present in population databases (no rsID available, gnomAD 0.006%). This variant has not been reported in the literature in individuals affected with ALMS1-related conditions. Experimental studies and prediction algorithms are not available or were not evaluated, and the functional significance of this variant is currently unknown. In summary, the available evidence is currently insufficient to determine the role of this variant in disease. Therefore, it has been classified as a Variant of Uncertain Significance.

NM_001378454.1(ALMS1):c.11641C>G (p.His3881Asp)

Gene: ALMS1 (ALMS1 centrosome and basal body associated protein; plus strand). Cytogenetic location: 2p13.1.
Variant type: single nucleotide variant.
Coding change: c.11641C>G on transcript NM_001378454.1 (MANE Select); coding-DNA position 11641, C replaced by G.
Protein change: p.His3881Asp; replaces histidine 3881 with aspartic acid.
Molecular consequence: missense variant.
Genome position (GRCh38, 1-based): chr2:73,599,494, C>G. VCF-style: chr2-73599494-C-G. GRCh37 (hg19) VCF-style: chr2-73826621-C-G.
Other names: c.11644C>G, p.His3882Asp (NM_015120.4); short protein forms H3881D, H3882D.
Identifiers: ClinVar variation 2198965 (VCV002198965.1), dbSNP rs142278066, ClinGen allele CA347263060.